The following is an entry in ClinVar:

ClinVar aggregate classification (germline): Uncertain significance (1 of 4 stars; one submission).

Conditions:
Duane-radial ray syndrome (DRRS). Also called: Duane-Radial Ray Syndrome (DRRS) / Okihiro Syndrome; ACRORENOOCULAR SYNDROME; DR SYNDROME; DUANE ANOMALY WITH RADIAL RAY ABNORMALITIES AND DEAFNESS; Okihiro Syndrome; Duane-Radial Ray Syndrome/Okihiro Syndrome. Identifiers: Orphanet 93293, Orphanet 959, MedGen C1623209, MONDO:0011812, OMIM 607323. Disease mechanism: gain of function.

Allele frequency attached by ClinVar (database versions not stated): gnomAD 0.00001.
gnomAD v4.1: 12 of 1,613,958 alleles (0.00074%); highest among the groups gnomAD compares: African/African-American, 0.0013%; no homozygotes.

Submission:

Labcorp Genetics (formerly Invitae), Labcorp
Classification: Uncertain significance for Duane-radial ray syndrome. Last evaluated: 2022-07-14. Review status: criteria provided, single submitter. Criteria: Invitae Variant Classification Sherloc (09022015). Collection method: clinical testing. Allele origin: germline.
Comment: This sequence change replaces glutamic acid, which is acidic and polar, with lysine, which is basic and polar, at codon 689 of the SALL4 protein (p.Glu689Lys). In summary, the available evidence is currently insufficient to determine the role of this variant in disease. Therefore, it has been classified as a Variant of Uncertain Significance. Algorithms developed to predict the effect of missense changes on protein structure and function (SIFT, PolyPhen-2, Align-GVGD) all suggest that this variant is likely to be tolerated. This variant has not been reported in the literature in individuals affected with SALL4-related conditions. This variant is present in population databases (no rsID available, gnomAD 0.01%).

NM_020436.5(SALL4):c.2065G>A (p.Glu689Lys)

Gene: SALL4 (spalt like transcription factor 4; minus strand). Cytogenetic location: 20q13.2.
Variant type: single nucleotide variant.
Coding change: c.2065G>A on transcript NM_020436.5 (MANE Select); coding-DNA position 2065, G replaced by A.
Protein change: p.Glu689Lys; replaces glutamic acid 689 with lysine.
Molecular consequence: missense variant. On other transcripts: intron variant (1).
Genome position (GRCh38, 1-based): chr20:51,790,418, C>T on the plus strand (G>A on the coding strand, the complement: SALL4 is on the minus strand). VCF-style: chr20-51790418-C-T. GRCh37 (hg19) VCF-style: chr20-50406957-C-T.
Other names: c.1150+915G>A (NM_001318031.2); short protein forms E689K.
Identifiers: ClinVar variation 1898374 (VCV001898374.5), dbSNP rs1305194741, ClinGen allele CA409008222.
Genomic context (GRCh38, chr20:51,790,418, plus strand): 5'-GGACCTTGGAGGAGCTGCTGGGAGCCTCCTGGGAGCTGACTTCCTCTACATCGATGCTTT[C>T]GATGACATCATCATGGCAGATAGCGCCGGTGCTGCCGTTCTCACCCACGGTCATTGGCTC-3'
Protein context (NP_065169.1, residues 679-699): TGAICHDDVI[Glu689Lys]SIDVEEVSSQ